The following is an entry in ClinVar:

NM_001113378.2(FANCI):c.3620C>T (p.Pro1207Leu)

Gene: FANCI (FA complementation group I; plus strand). Cytogenetic location: 15q26.1.
Variant type: single nucleotide variant.
Coding change: c.3620C>T on transcript NM_001113378.2 (MANE Select); coding-DNA position 3620, C replaced by T.
Protein change: p.Pro1207Leu; replaces proline 1207 with leucine.
Molecular consequence: missense variant.
Genome position (GRCh38, 1-based): chr15:89,307,641, C>T. VCF-style: chr15-89307641-C-T. GRCh37 (hg19) VCF-style: chr15-89850872-C-T.
Other names: c.3341C>T, p.Pro1114Leu (NM_001376910.1); c.3620C>T, p.Pro1207Leu (NM_001376911.1); c.3440C>T, p.Pro1147Leu (NM_018193.3); short protein forms P1114L, P1147L, P1207L.
Identifiers: ClinVar variation 3665540 (VCV003665540.2).

ClinVar aggregate classification (germline): Uncertain significance (1 of 4 stars; one submission).

Conditions:
Fanconi anemia (FA). Also called: Fanconi's anemia. Identifiers: Orphanet 84, MedGen C0015625, MeSH D005199, MONDO:0019391.

gnomAD v4.1: 1 of 1,614,122 alleles (0.000062%); highest among the groups gnomAD compares: Non-Finnish European, 0.000085%; no homozygotes.

Submission:

Labcorp Genetics (formerly Invitae), Labcorp
Classification: Uncertain significance for Fanconi anemia. Last evaluated: 2025-01-27. Review status: criteria provided, single submitter. Criteria: Invitae Variant Classification Sherloc (09022015). Collection method: clinical testing. Allele origin: germline.
Comment: This sequence change replaces proline, which is neutral and non-polar, with leucine, which is neutral and non-polar, at codon 1207 of the FANCI protein (p.Pro1207Leu). This variant is not present in population databases (gnomAD no frequency). This variant has not been reported in the literature in individuals affected with FANCI-related conditions. Invitae Evidence Modeling of protein sequence and biophysical properties (such as structural, functional, and spatial information, amino acid conservation, physicochemical variation, residue mobility, and thermodynamic stability) indicates that this missense variant is expected to disrupt FANCI protein function with a positive predictive value of 80%. In summary, the available evidence is currently insufficient to determine the role of this variant in disease. Therefore, it has been classified as a Variant of Uncertain Significance.